The following is an entry in ClinVar:

ClinVar aggregate classification (germline): Likely pathogenic. Review status: criteria provided, multiple submitters, no conflicts (2 of 4 stars). 4 submissions from 4 submitters: Likely pathogenic (4). Last evaluated 2025-04-11.

Conditions:
SDHA-related disorder. Also called: SDHA-related disorders; SDHA-related condition.
Mitochondrial complex II deficiency, nuclear type 1. Also called: SUCCINATE CoQ REDUCTASE DEFICIENCY. Identifiers: Orphanet 3208, MedGen C5700310, MONDO:0100294, OMIM 252011.
Pheochromocytoma/paraganglioma syndrome 5. Also called: Paragangliomas 5; SDHA-Related Hereditary Paraganglioma-Pheochromocytoma Syndrome. Identifiers: Orphanet 29072, MedGen C3279992, MONDO:0013602, OMIM 614165.

Submissions (4):

Myriad Genetics, Inc.
Classification: Likely pathogenic for Pheochromocytoma/paraganglioma syndrome 5. Last evaluated: 2025-04-11. Review status: criteria provided, single submitter. Criteria: Myriad Autosomal Dominant, Autosomal Recessive and X-Linked Classification Criteria (2023). Collection method: clinical testing. Allele origin: unknown.
Comment: This variant is considered likely pathogenic. This variant occurs within a consensus splice junction and is predicted to result in abnormal mRNA splicing of either an out-of-frame exon or an in-frame exon necessary for protein stability and/or normal function.

Blueprint Genetics
Classification: Likely pathogenic for SDHA-related disorders. Last evaluated: 2024-07-10. Review status: criteria provided, single submitter. Criteria: ACMG Guidelines, 2015. Collection method: clinical testing. Allele origin: germline. Affected: yes. Observed: 1 variant allele.

Baylor Genetics
Classification: Likely pathogenic for Mitochondrial complex II deficiency, nuclear type 1. Last evaluated: 2020-07-20. Review status: criteria provided, single submitter. Criteria: ACMG Guidelines, 2015. Collection method: clinical testing. Allele origin: unknown. Affected: yes.
Comment: This variant was determined to be likely pathogenic according to ACMG Guidelines, 2015 [PMID:25741868].

Labcorp Genetics (formerly Invitae), Labcorp
Classification: Likely pathogenic for Pheochromocytoma/paraganglioma syndrome 5; Mitochondrial complex II deficiency, nuclear type 1. Last evaluated: 2016-02-09. Review status: criteria provided, single submitter. Criteria: Invitae Variant Classification Sherloc (09022015). Collection method: clinical testing. Allele origin: germline.
Comment: This sequence change affects a donor splice site in intron 10 of the SDHA gene. It is expected to disrupt mRNA splicing and likely results in an absent or disrupted protein product. This variant has not been reported in the literature in an individual with a SDHA-related disease. In summary, donor and acceptor splice site variants are typically truncating (PMID: 16199547), and truncating variants in SDHA are known to be pathogenic (PMID: 24781757, 22974104). However, without additional functional and/or genetic data, this variant has been classified as Likely Pathogenic.

NM_004168.4(SDHA):c.1432+1G>C

Gene: SDHA (succinate dehydrogenase complex flavoprotein subunit A; plus strand). Cytogenetic location: 5p15.33.
Variant type: single nucleotide variant.
Coding change: c.1432+1G>C on transcript NM_004168.4 (MANE Select); the canonical splice donor site of the intron after coding-DNA position 1432, G replaced by C.
Molecular consequence: splice donor variant.
Genome position (GRCh38, 1-based): chr5:236,600, G>C. VCF-style: chr5-236600-G-C. GRCh37 (hg19) VCF-style: chr5-236715-G-C.
Other names: c.1432+1G>C (NM_001330758.2); c.1288+1G>C (NM_001294332.2).
Identifiers: ClinVar variation 239648 (VCV000239648.4), dbSNP rs878854628, ClinGen allele CA10582430.